The following is an entry in ClinVar:

ClinVar aggregate classification (germline): Uncertain significance (1 of 4 stars; one submission).

Submission:

GeneDx
Classification: Uncertain significance. Last evaluated: 2023-03-23. Review status: criteria provided, single submitter. Criteria: GeneDx Variant Classification Process June 2021. Collection method: clinical testing. Allele origin: germline. Affected: yes.
Comment: Not observed at significant frequency in large population cohorts (gnomAD); In silico analysis supports that this missense variant has a deleterious effect on protein structure/function; Has not been previously published as pathogenic or benign to our knowledge

NM_001394998.1(TANC2):c.4027A>G (p.Lys1343Glu)

Gene: TANC2 (tetratricopeptide repeat, ankyrin repeat and coiled-coil containing 2; plus strand). Cytogenetic location: 17q23.3.
Variant type: single nucleotide variant.
Coding change: c.4027A>G on transcript NM_001394998.1 (MANE Select); coding-DNA position 4027, A replaced by G.
Protein change: p.Lys1343Glu; replaces lysine 1343 with glutamic acid.
Molecular consequence: missense variant.
Genome position (GRCh38, 1-based): chr17:63,415,534, A>G. VCF-style: chr17-63415534-A-G. GRCh37 (hg19) VCF-style: chr17-61492895-A-G.
Other names: c.3805A>G, p.Lys1269Glu (NM_001411076.1); c.3775A>G, p.Lys1259Glu (NM_025185.4); short protein forms K1259E, K1269E, K1343E.
Identifiers: ClinVar variation 2580437 (VCV002580437.1), dbSNP rs2510521668, ClinGen allele CA400537982.